The following is an entry in ClinVar:

NM_000088.4(COL1A1):c.2551G>A (p.Gly851Ser)

Gene: COL1A1 (collagen type I alpha 1 chain; minus strand). Cytogenetic location: 17q21.33.
Variant type: single nucleotide variant.
Coding change: c.2551G>A on transcript NM_000088.4 (MANE Select); coding-DNA position 2551, G replaced by A.
Protein change: p.Gly851Ser; replaces glycine 851 with serine.
Molecular consequence: missense variant.
Genome position (GRCh38, 1-based): chr17:50,190,009, C>T on the plus strand (G>A on the coding strand, the complement: COL1A1 is on the minus strand). VCF-style: chr17-50190009-C-T. GRCh37 (hg19) VCF-style: chr17-48267370-C-T.
Other names: p.Gly851Ser; short protein forms G851S.
Identifiers: ClinVar variation 4542196 (VCV004542196.1).

ClinVar aggregate classification (germline): Likely pathogenic (1 of 4 stars; one submission).

Submission:

Mayo Clinic Laboratories, Mayo Clinic
Classification: Likely pathogenic. Last evaluated: 2025-04-30. Review status: criteria provided, single submitter. Criteria: ACMG Guidelines, 2015. Collection method: clinical testing. Allele origin: germline. Observed: 1 variant allele.
Comment: PP2, PP3, PM1_strong, PM2_supporting

Literature cited by the submitters: PubMed 17078022.